The following is an entry in ClinVar:

ClinVar aggregate classification (germline): Benign (1 of 4 stars; one submission).

Allele frequency attached by ClinVar (database versions not stated): gnomAD exomes 0.52164; 1000 Genomes Project 0.54932; gnomAD 0.54949 and 0.55328; 1000 Genomes Project 30x 0.55887; TOPMed 0.56681.
gnomAD v4.1: 684,741 of 1,303,322 alleles (53%); highest among the groups gnomAD compares: Admixed American, 70%; 182,740 homozygotes.

Submission:

GeneDx
Classification: Benign. Last evaluated: 2018-06-19. Review status: criteria provided, single submitter. Criteria: GeneDx Variant Classification (06012015). Collection method: clinical testing. Allele origin: germline. Affected: yes.
Comment: This variant is considered likely benign or benign based on one or more of the following criteria: it is a conservative change, it occurs at a poorly conserved position in the protein, it is predicted to be benign by multiple in silico algorithms, and/or has population frequency not consistent with disease.

NM_005908.4(MANBA):c.2415+124C>T

Gene: MANBA (mannosidase beta; minus strand). Cytogenetic location: 4q24.
Variant type: single nucleotide variant.
Coding change: c.2415+124C>T on transcript NM_005908.4 (MANE Select); 124 bases into the intron after coding-DNA position 2415, C replaced by T.
Molecular consequence: intron variant.
Genome position (GRCh38, 1-based): chr4:102,634,664, G>A on the plus strand (C>T on the coding strand, the complement: MANBA is on the minus strand). VCF-style: chr4-102634664-G-A. GRCh37 (hg19) VCF-style: chr4-103555821-G-A.
Identifiers: ClinVar variation 667476 (VCV000667476.1), dbSNP rs2272696, ClinGen allele CA11695953.